The following is an entry in ClinVar:

ClinVar aggregate classification (germline): Pathogenic. Review status: criteria provided, single submitter (1 of 4 stars). 2 submissions from 2 submitters: Pathogenic (1). 1 of the submissions does not count toward it. Last evaluated 2019-07-01.

Conditions:
Cutis laxa, autosomal recessive, type 1d. Identifiers: MedGen C5935602, MONDO:0958335, OMIM 620780.
Accelerated skeletal maturation. Also called: Advanced bone age. Identifiers: MedGen C0545053, HP:0005616.
Ectropion of lower eyelids. Identifiers: MedGen C0521736, HP:0007651.
High myopia. Also called: Severe Myopia. Identifiers: MedGen C0271183, HP:0011003.
Tall stature. Identifiers: MedGen C0241240, HP:0000098.
Generalized hypotonia. Identifiers: MedGen C1858120, HP:0001290.
Joint hypermobility. Also called: Joint hyperflexibility. Identifiers: MedGen C1862377, HP:0001382.
Dolichocephaly. Identifiers: MedGen C0221358, HP:0000268.
Arachnodactyly. Identifiers: MedGen C0003706, HP:0001166.
Inguinal hernia. Identifiers: MedGen C0019294, HP:0000023.
Scoliosis. Identifiers: MedGen C0036439, MONDO:0005392, HP:0002650.
Diverticulum of bladder. Also called: Bladder diverticulum. Identifiers: MedGen C0156273, MONDO:0007197, OMIM 109820, HP:0000015.
Pulmonary bulla. Identifiers: MedGen C0241982, HP:0032446.
Posterolateral diaphragmatic hernia. Identifiers: MedGen C0265700, HP:0025193.
Dural ectasia. Identifiers: MedGen C1851712, HP:0100775.

Submissions (2):

Women's and Children's Health, University of Otago
Classification: Pathogenic for Inguinal hernia; Posterolateral diaphragmatic hernia; Diverticulum of bladder; Pulmonary bulla; Dural ectasia; Scoliosis; High myopia; Tall stature; Ectropion of lower eyelids; Joint hypermobility; Generalized hypotonia; Dolichocephaly; Accelerated skeletal maturation; Arachnodactyly. Last evaluated: 2019-07-01. Review status: criteria provided, single submitter. Criteria: ACMG Guidelines, 2015. Collection method: provider interpretation, research. Allele origin: unknown. Inheritance: Autosomal recessive inheritance. Affected: yes. Observed: 1 compound heterozygote.
Comment: Compound heterozygous variants resulting in significant knockdown of the EFEMP1 gene. EFEMP1 is a component of elastic tissue and the knockout mouse displays a very similar herniation phenotype to our individual (publication pending in EJHG)

OMIM
Classification: Pathogenic for CUTIS LAXA, AUTOSOMAL RECESSIVE, TYPE ID. Last evaluated: 2024-04-05. Review status: no assertion criteria provided. Collection method: literature only. Allele origin: germline. Not counted in ClinVar's aggregate classification.

Literature cited by the submitters: PubMed 31792352 (cited by OMIM).

NM_001039348.3(EFEMP1):c.320_324del (p.Met107fs)

Gene: EFEMP1 (EGF-like fibulin extracellular matrix protein 1; minus strand). Cytogenetic location: 2p16.1.
Variant type: Deletion.
Coding change: c.320_324del on transcript NM_001039348.3 (MANE Select); coding-DNA positions 320 to 324, 5 bases deleted (TGGCA; older notation c.320_324delTGGCA).
Protein change: p.Met107fs; shifts the reading frame from methionine 107.
Molecular consequence: frameshift variant.
Genome position (GRCh38, 1-based): chr2:55,917,858-55,917,862, TGCCA deleted on the plus strand (TGGCA on the coding strand, the reverse complement: EFEMP1 is on the minus strand); deleting any 5 consecutive bases within chr2:55,917,858-55,917,865 gives the same sequence; the c. name uses the placement nearest the transcript's 3' end. VCF-style (leftmost placement, unchanged base first): chr2-55917857-TTGCCA-T. GRCh37 (hg19) VCF-style: chr2-56144992-TTGCCA-T.
Other names: c.[320_324delTGGCA] (NM_001039348.3); c.320_324del, p.Met107fs (NM_001039349.3); c.320_324delTGGCA (NM_001039348.3); short protein forms M107fs.
Identifiers: ClinVar variation 691884 (VCV000691884.3), dbSNP rs1572850869, ClinGen allele CA915944028.